The following is an entry in ClinVar:

ClinVar aggregate classification (germline): Uncertain significance. Review status: criteria provided, single submitter (1 of 4 stars). 2 submissions from 2 submitters: Uncertain significance (1). 1 of the submissions does not count toward it. Last evaluated 2025-04-30.

Conditions:
Charcot-Marie-Tooth disease type 2. Also called: Charcot-Marie-Tooth type 2. Identifiers: Orphanet 64746, MedGen C0270914, MONDO:0018993.
Polyneuropathy. Identifiers: MedGen C0152025, MONDO:0001824, HP:0001271.

gnomAD v4.1: 1 of 1,612,312 alleles (0.000062%); highest among the groups gnomAD compares: Non-Finnish European, 0.000085%; no homozygotes.

Submissions (2):

Labcorp Genetics (formerly Invitae), Labcorp
Classification: Uncertain significance for Charcot-Marie-Tooth disease type 2. Last evaluated: 2025-04-30. Review status: criteria provided, single submitter. Criteria: Invitae Variant Classification Sherloc (09022015). Collection method: clinical testing. Allele origin: germline.
Comment: This sequence change replaces threonine, which is neutral and polar, with proline, which is neutral and non-polar, at codon 424 of the LMNA protein (p.Thr424Pro). This variant is not present in population databases (gnomAD no frequency). This variant has not been reported in the literature in individuals affected with LMNA-related conditions. ClinVar contains an entry for this variant (Variation ID: 689547). Invitae Evidence Modeling of protein sequence and biophysical properties (such as structural, functional, and spatial information, amino acid conservation, physicochemical variation, residue mobility, and thermodynamic stability) indicates that this missense variant is expected to disrupt LMNA protein function with a positive predictive value of 95%. In summary, the available evidence is currently insufficient to determine the role of this variant in disease. Therefore, it has been classified as a Variant of Uncertain Significance.

Institute of Human Genetics, University of Wuerzburg
Classification: Uncertain significance for Polyneuropathy. Review status: no assertion criteria provided. Collection method: clinical testing. Allele origin: unknown. Not counted in ClinVar's aggregate classification.

NM_170707.4(LMNA):c.1270A>C (p.Thr424Pro)

Gene: LMNA (lamin A/C; plus strand). Cytogenetic location: 1q22.
Variant type: single nucleotide variant.
Coding change: c.1270A>C on transcript NM_170707.4 (MANE Select); coding-DNA position 1270, A replaced by C.
Protein change: p.Thr424Pro; replaces threonine 424 with proline.
Molecular consequence: missense variant.
Genome position (GRCh38, 1-based): chr1:156,136,326, A>C. VCF-style: chr1-156136326-A-C. GRCh37 (hg19) VCF-style: chr1-156106117-A-C.
Other names: c.934A>C, p.Thr312Pro (NM_001257374.3); c.1027A>C, p.Thr343Pro (NM_001282624.2); c.1270A>C, p.Thr424Pro (NM_001282625.2, NM_001282626.2, NM_005572.4 and 1 more transcripts); short protein forms T312P, T343P, T424P.
Identifiers: ClinVar variation 689547 (VCV000689547.2), dbSNP rs1166140426, ClinGen allele CA342821536.